The following is an entry in ClinVar:

ClinVar aggregate classification (germline): Uncertain significance (1 of 4 stars; one submission).

Conditions:
Cardiomyopathy (CMYO). Also called: Cardiomyopathies. Identifiers: Orphanet 167848, MedGen C0878544, MONDO:0004994, HP:0001638. Inheritance: Various modes of inheritance.

Submission:

Color Diagnostics, LLC DBA Color Health
Classification: Uncertain significance for Cardiomyopathy. Last evaluated: 2025-04-24. Review status: criteria provided, single submitter. Criteria: ACMG Guidelines, 2015. Collection method: clinical testing. Allele origin: germline.
Comment: This variant duplicates 1 nucleotide in exon 27 of the MYH7 gene, creating a frameshift and premature translation stop signal. This variant is expected to result in an absent or non-functional protein product. To our knowledge, functional studies have not been reported for this variant. This variant has not been reported in individuals affected with cardiovascular disorders in the literature. This variant has not been identified in the general population by the Genome Aggregation Database (gnomAD). The role of MYH7 truncation variants in cardiomyopathy is not clearly established. Thee available evidence is insufficient to determine the role of this variant in disease conclusively. Therefore, this variant is classified as a Variant of Uncertain Significance.

NM_000257.4(MYH7):c.3601dup (p.Ala1201fs)

Gene: MYH7 (myosin heavy chain 7; minus strand). Cytogenetic location: 14q11.2.
Variant type: Duplication.
Coding change: c.3601dup on transcript NM_000257.4 (MANE Select); coding-DNA position 3601, one base duplicated (G; older notation c.3601dupG).
Protein change: p.Ala1201fs; shifts the reading frame from alanine 1201.
Molecular consequence: frameshift variant.
Genome position (GRCh38, 1-based): chr14:23,419,970, C duplicated on the plus strand (G on the coding strand, the reverse complement: MYH7 is on the minus strand); the first of 2 consecutive C bases (chr14:23,419,970-23,419,971); duplicating either gives the same sequence. VCF-style (leftmost placement, unchanged base first): chr14-23419969-G-GC. GRCh37 (hg19) VCF-style: chr14-23889178-G-GC.
Other names: c.3601dup, p.Ala1201fs (NM_001407004.1); short protein forms A1201fs.
Identifiers: ClinVar variation 2773907 (VCV002773907.3), dbSNP rs2502264095, ClinGen allele CA2697553857.